The following is an entry in ClinVar:

NM_139137.4(KCNC2):c.262C>A (p.Arg88Ser)

Gene: KCNC2 (potassium voltage-gated channel subfamily C member 2; minus strand). Cytogenetic location: 12q21.1.
Variant type: single nucleotide variant.
Coding change: c.262C>A on transcript NM_139137.4 (MANE Select); coding-DNA position 262, C replaced by A.
Protein change: p.Arg88Ser; replaces arginine 88 with serine.
Molecular consequence: missense variant. On other transcripts: non-coding transcript variant (2).
Genome position (GRCh38, 1-based): chr12:75,207,722, G>T on the plus strand (C>A on the coding strand, the complement: KCNC2 is on the minus strand). VCF-style: chr12-75207722-G-T. GRCh37 (hg19) VCF-style: chr12-75601502-G-T.
Other names: c.262C>A, p.Arg88Ser (NM_001260497.2, NM_001260498.2, NM_001260499.2 and 13 more transcripts); short protein forms R88S.
Identifiers: ClinVar variation 3371059 (VCV003371059.1).

ClinVar aggregate classification (germline): Uncertain significance (1 of 4 stars; one submission).

Submission:

GeneDx
Classification: Uncertain significance. Last evaluated: 2024-03-22. Review status: criteria provided, single submitter. Criteria: GeneDx Variant Classification Process June 2021. Collection method: clinical testing. Allele origin: germline. Affected: yes.
Comment: Not observed at significant frequency in large population cohorts (gnomAD); In silico analysis supports that this missense variant does not alter protein structure/function; Has not been previously published as pathogenic or benign to our knowledge